The following is an entry in ClinVar:

NM_016120.4(RLIM):c.251G>A (p.Arg84Lys)

Gene: RLIM (ring finger protein, LIM domain interacting; minus strand). Cytogenetic location: Xq13.2.
Variant type: single nucleotide variant.
Coding change: c.251G>A on transcript NM_016120.4 (MANE Select); coding-DNA position 251, G replaced by A.
Protein change: p.Arg84Lys; replaces arginine 84 with lysine.
Molecular consequence: missense variant.
Genome position (GRCh38, 1-based): chrX:74,594,308, C>T on the plus strand (G>A on the coding strand, the complement: RLIM is on the minus strand). VCF-style: chrX-74594308-C-T. GRCh37 (hg19) VCF-style: chrX-73814143-C-T.
Other names: c.251G>A, p.Arg84Lys (NM_183353.3); short protein forms R84K.
Identifiers: ClinVar variation 5008182 (VCV005008182.1).

ClinVar aggregate classification (germline): Uncertain significance (1 of 4 stars; one submission).

Submission:

GeneDx
Classification: Uncertain significance. Last evaluated: 2026-03-04. Review status: criteria provided, single submitter. Criteria: GeneDx Variant Classification Process June 2021. Collection method: clinical testing. Allele origin: germline.
Comment: Not observed at significant frequency in large population cohorts (gnomAD); In silico analysis suggests that this missense variant does not alter protein structure/function; Has not been previously published as pathogenic or benign to our knowledge